The following is an entry in ClinVar:

ClinVar aggregate classification (germline): Benign/Likely benign. Review status: criteria provided, multiple submitters, no conflicts (2 of 4 stars). 3 submissions from 3 submitters: Benign (1); Likely benign (1). 1 of the submissions does not count toward it. Last evaluated 2025-12-01.

Conditions:
POLR1A-related disorder. Also called: POLR1A-related condition.

Allele frequency attached by ClinVar (database versions not stated): gnomAD exomes 0.00030 and 0.00055; 1000 Genomes Project 0.00060; 1000 Genomes Project 30x 0.00062; ExAC 0.00068; gnomAD 0.00202 and 0.00224; TOPMed 0.00252; ESP Exome Variant Server 0.00287.

Submissions (3):

Labcorp Genetics (formerly Invitae), Labcorp
Classification: Benign. Last evaluated: 2025-12-01. Review status: criteria provided, single submitter. Criteria: Invitae Variant Classification Sherloc (09022015). Collection method: clinical testing. Allele origin: germline.

Blueprint Genetics
Classification: Likely benign. Last evaluated: 2024-11-26. Review status: criteria provided, single submitter. Criteria: ACMG Guidelines, 2015. Collection method: clinical testing. Allele origin: germline.

PreventionGenetics, part of Exact Sciences
Classification: Benign for POLR1A-related condition. Last evaluated: 2019-10-28. Review status: no assertion criteria provided. Collection method: clinical testing. Allele origin: germline. Not counted in ClinVar's aggregate classification.
Comment: This variant is classified as benign based on ACMG/AMP sequence variant interpretation guidelines (Richards et al. 2015 PMID: 25741868, with internal and published modifications).

NM_015425.6(POLR1A):c.309T>C (p.Ser103=)

Gene: POLR1A (RNA polymerase I subunit A; minus strand). Cytogenetic location: 2p11.2.
Variant type: single nucleotide variant.
Coding change: c.309T>C on transcript NM_015425.6 (MANE Select); coding-DNA position 309, T replaced by C.
Protein change: p.Ser103=; no amino-acid change (serine 103 retained).
Molecular consequence: synonymous variant.
Genome position (GRCh38, 1-based): chr2:86,098,734, A>G on the plus strand (T>C on the coding strand, the complement: POLR1A is on the minus strand). VCF-style: chr2-86098734-A-G. GRCh37 (hg19) VCF-style: chr2-86325857-A-G.
Identifiers: ClinVar variation 711328 (VCV000711328.12), dbSNP rs36023304, ClinGen allele CA1746692.